The following is an entry in ClinVar:

ClinVar aggregate classification (germline): Pathogenic (1 of 4 stars; one submission).

Conditions:
Wilson disease (WND). Also called: Wilson's disease. Identifiers: Orphanet 905, MedGen C0019202, MONDO:0010200, OMIM 277900. Disease mechanism: loss of function.

Submission:

Natera, Inc.
Classification: Pathogenic for Wilson disease. Last evaluated: 2026-01-15. Review status: criteria provided, single submitter. Criteria: Natera Variant Classification Schema (03/2026). Collection method: clinical testing. Allele origin: germline.
Comment: The c.3359T>A variant in ATP7B is a nonsense variant predicted to introduce a stop codon at amino acid 1120. This variant is expected to result in nonsense mediated decay, truncation, or a dysfunctional protein product. This variant is rare in the general population with a frequency below the threshold expected for the associated phenotype(s). This variant has been observed in one or more individuals affected with the associated recessive disease, as either homozygous or compound heterozygous with a second variant (PMID: 32043565). This variant has been found together with another disease-causing variant in the same copy of the gene (PMID: 32043565). Given the available evidence, this variant is classified as Pathogenic.

Literature cited by the submitters: PubMed 32043565.

NM_000053.4(ATP7B):c.3359T>A (p.Leu1120Ter)

Gene: ATP7B (ATPase copper transporting beta; minus strand). Cytogenetic location: 13q14.3.
Variant type: single nucleotide variant.
Coding change: c.3359T>A on transcript NM_000053.4 (MANE Select); coding-DNA position 3359, T replaced by A.
Protein change: p.Leu1120Ter; replaces leucine 1120 with a stop codon.
Molecular consequence: nonsense.
Genome position (GRCh38, 1-based): chr13:51,942,439, A>T on the plus strand (T>A on the coding strand, the complement: ATP7B is on the minus strand). VCF-style: chr13-51942439-A-T. GRCh37 (hg19) VCF-style: chr13-52516575-A-T.
Other names: c.3125T>A, p.Leu1042Ter (NM_001330578.2, NM_001406527.1, NM_001406528.1 and 1 more transcripts); c.3107T>A, p.Leu1036Ter (NM_001330579.2, NM_001406531.1, NM_001406532.1); c.3359T>A, p.Leu1120Ter (NM_001406511.1, NM_001406512.1, NM_001406526.1); c.3353T>A, p.Leu1118Ter (NM_001406513.1); c.3326T>A, p.Leu1109Ter (NM_001406514.1); c.3305T>A, p.Leu1102Ter (NM_001406515.1, NM_001406516.1); c.3263T>A, p.Leu1088Ter (NM_001406517.1, NM_001406518.1); c.3224T>A, p.Leu1075Ter (NM_001406519.1); and 19 more; short protein forms L1004*, L1007*, L1009*, L1010*, L1024*, L1036*, L1040*, L1042*.
Identifiers: ClinVar variation 4815394 (VCV004815394.1).